The following is an entry in ClinVar:

NM_024675.4(PALB2):c.163C>T (p.Gln55Ter)

Gene: PALB2 (partner and localizer of BRCA2; minus strand). Cytogenetic location: 16p12.2.
Variant type: single nucleotide variant.
Coding change: c.163C>T on transcript NM_024675.4 (MANE Select); coding-DNA position 163, C replaced by T.
Protein change: p.Gln55Ter; replaces glutamine 55 with a stop codon.
Molecular consequence: nonsense.
Genome position (GRCh38, 1-based): chr16:23,637,898, G>A on the plus strand (C>T on the coding strand, the complement: PALB2 is on the minus strand). VCF-style: chr16-23637898-G-A. GRCh37 (hg19) VCF-style: chr16-23649219-G-A.
Other names: short protein forms Q55*.
Identifiers: ClinVar variation 419287 (VCV000419287.4), dbSNP rs1064793772, ClinGen allele CA16620162.

ClinVar aggregate classification (germline): Pathogenic. Review status: criteria provided, multiple submitters, no conflicts (2 of 4 stars). 2 submissions from 2 submitters: Pathogenic (2). Last evaluated 2022-12-07.

Conditions:
Hereditary cancer-predisposing syndrome. Also called: Hereditary neoplastic syndrome; Tumor predisposition; Neoplastic Syndromes, Hereditary; Hereditary Cancer Syndrome. Identifiers: Orphanet 140162, MedGen C0027672, MeSH D009386, MONDO:0015356.

Submissions (2):

Ambry Genetics
Classification: Pathogenic for Hereditary cancer-predisposing syndrome. Last evaluated: 2022-12-07. Review status: criteria provided, single submitter. Criteria: Ambry Variant Classification Scheme 2023. Collection method: clinical testing. Allele origin: germline.
Comment: The p.Q55* pathogenic mutation (also known as c.163C>T), located in coding exon 3 of the PALB2 gene, results from a C to T substitution at nucleotide position 163. This changes the amino acid from a glutamine to a stop codon within coding exon 3. This alteration has been reported in at least one subject in a study of 13087 breast cancer cases and 5488 control individuals in the UK (Decker B et al. J Med Genet, 2017 Nov;54:732-741). This variant is considered to be rare based on population cohorts in the Genome Aggregation Database (gnomAD). In addition to the clinical data presented in the literature, this alteration is expected to result in loss of function by premature protein truncation or nonsense-mediated mRNA decay. As such, this alteration is interpreted as a disease-causing mutation.

GeneDx
Classification: Pathogenic. Last evaluated: 2015-06-18. Review status: criteria provided, single submitter. Criteria: GeneDx Variant Classification (06012015). Collection method: clinical testing. Allele origin: germline. Affected: yes.
Comment: This pathogenic variant is denoted PALB2 c.163C>T at the cDNA level and p.Gln55Ter (Q55X) at the protein level. The substitution creates a nonsense variant, which changes a Glutamine to a premature stop codon (CAA>TAA), and is predicted to cause loss of normal protein function through either protein truncation or nonsense-mediated mRNA decay. Although this variant has not, to our knowledge, been reported in the literature, it is considered pathogenic.

Literature cited by the submitters: PubMed 28779002 (cited by Ambry Genetics).